The following is an entry in ClinVar:

NM_182493.3(MYLK3):c.2329G>A (p.Ala777Thr)

Gene: MYLK3 (myosin light chain kinase 3; minus strand). Cytogenetic location: 16q11.2.
Variant type: single nucleotide variant.
Coding change: c.2329G>A on transcript NM_182493.3 (MANE Select); coding-DNA position 2329, G replaced by A.
Protein change: p.Ala777Thr; replaces alanine 777 with threonine.
Molecular consequence: missense variant.
Genome position (GRCh38, 1-based): chr16:46,709,610, C>T on the plus strand (G>A on the coding strand, the complement: MYLK3 is on the minus strand). VCF-style: chr16-46709610-C-T. GRCh37 (hg19) VCF-style: chr16-46743522-C-T.
Other names: c.1306G>A, p.Ala436Thr (NM_001308301.1); short protein forms A777T, A436T.
Identifiers: ClinVar variation 1470413 (VCV001470413.8), dbSNP rs1324199354, ClinGen allele CA395785866.

ClinVar aggregate classification (germline): Uncertain significance (1 of 4 stars; one submission).

Allele frequency attached by ClinVar (database versions not stated): gnomAD exomes 0.00001.
gnomAD v4.1: 6 of 1,614,156 alleles (0.00037%); highest among the groups gnomAD compares: Admixed American, 0.0033%; no homozygotes.

Submission:

Labcorp Genetics (formerly Invitae), Labcorp
Classification: Uncertain significance. Last evaluated: 2025-11-03. Review status: criteria provided, single submitter. Criteria: Invitae Variant Classification Sherloc (09022015). Collection method: clinical testing. Allele origin: germline.
Comment: This sequence change replaces alanine, which is neutral and non-polar, with threonine, which is neutral and polar, at codon 777 of the MYLK3 protein (p.Ala777Thr). This variant is present in population databases (no rsID available, gnomAD 0.003%). This variant has not been reported in the literature in individuals affected with MYLK3-related conditions. ClinVar contains an entry for this variant (Variation ID: 1470413). An algorithm developed to predict the effect of missense changes on protein structure and function (PolyPhen-2) suggests that this variant is likely to be disruptive. In summary, the available evidence is currently insufficient to determine the role of this variant in disease. Therefore, it has been classified as a Variant of Uncertain Significance.